The following is an entry in ClinVar:

ClinVar aggregate classification (germline): Benign. Review status: criteria provided, multiple submitters, no conflicts (2 of 4 stars). 11 submissions from 11 submitters: Benign (9). 2 of the submissions do not count toward it. Last evaluated 2026-02-04.

Conditions:
Cardiovascular phenotype. Identifiers: MedGen CN230736.
Episodic pain syndrome, familial, 2 (FEPS2). Identifiers: Orphanet 306577, MedGen C3809893, MONDO:0014246, OMIM 615551.
Brugada syndrome. Also called: Sudden unexpected nocturnal death syndrome; Sudden unexplained nocturnal death syndrome; Sudden Unexplained Death Syndrome; Sudden Unexplained Nocturnal Death Syndrome (SUNDS). Identifiers: Orphanet 130, MedGen C1142166, MONDO:0015263.

Allele frequency attached by ClinVar (database versions not stated): TOPMed 0.20846; 1000 Genomes Project 30x 0.21627; gnomAD 0.21708 and 0.21981; 1000 Genomes Project 0.21965; ESP Exome Variant Server 0.22021; gnomAD exomes 0.23931; ExAC 0.24302.
gnomAD v4.1: 398,942 of 1,613,744 alleles (25%); highest among the groups gnomAD compares: East Asian, 43%; 51,431 homozygotes.

Submissions (11):

Labcorp Genetics (formerly Invitae), Labcorp
Classification: Benign for Brugada syndrome. Last evaluated: 2026-02-04. Review status: criteria provided, single submitter. Criteria: Invitae Variant Classification Sherloc (09022015). Collection method: clinical testing. Allele origin: germline.

Women's Health and Genetics/Laboratory Corporation of America, LabCorp
Classification: Benign. Last evaluated: 2023-04-09. Review status: criteria provided, single submitter. Criteria: LabCorp Variant Classification Summary - May 2015. Collection method: clinical testing. Allele origin: germline.

Genome-Nilou Lab
Classification: Benign for Episodic pain syndrome, familial, 2. Last evaluated: 2021-07-15. Review status: criteria provided, single submitter. Criteria: ACMG Guidelines, 2015. Collection method: clinical testing. Allele origin: germline. Affected: no.

Ambry Genetics
Classification: Benign for Cardiovascular phenotype. Last evaluated: 2018-12-21. Review status: criteria provided, single submitter. Criteria: Ambry Variant Classification Scheme 2023. Collection method: clinical testing. Allele origin: germline.

Mayo Clinic Laboratories, Mayo Clinic
Classification: Benign. Last evaluated: 2017-07-25. Review status: criteria provided, single submitter. Criteria: ACMG Guidelines, 2015. Collection method: clinical testing. Allele origin: germline. Observed: 624 variant alleles.

Molecular Diagnostic Laboratory for Inherited Cardiovascular Disease, Montreal Heart Institute
Classification: Benign. Last evaluated: 2017-05-17. Review status: criteria provided, single submitter. Criteria: ACMG Guidelines, 2015. Collection method: clinical testing. Allele origin: germline. Affected: yes.

GeneDx
Classification: Benign. Last evaluated: 2016-09-22. Review status: criteria provided, single submitter. Criteria: GeneDx Variant Classification (06012015). Collection method: clinical testing. Allele origin: germline. Affected: yes.
Comment: This variant is considered likely benign or benign based on one or more of the following criteria: it is a conservative change, it occurs at a poorly conserved position in the protein, it is predicted to be benign by multiple in silico algorithms, and/or has population frequency not consistent with disease.

Breakthrough Genomics
Classification: Benign. Review status: criteria provided, single submitter. Criteria: ACMG Guidelines, 2015. Collection method: not provided. Allele origin: germline. Inheritance: Autosomal dominant inheritance. Affected: yes.

PreventionGenetics, part of Exact Sciences
Classification: Benign. Review status: criteria provided, single submitter. Criteria: ACMG Guidelines, 2015. Collection method: clinical testing. Allele origin: germline.

Clinical Genetics, Academic Medical Center
Classification: Benign. Review status: no assertion criteria provided. Collection method: clinical testing. Allele origin: germline. Affected: yes. Study: VKGL Data-share Consensus. Not counted in ClinVar's aggregate classification.

Joint Genome Diagnostic Labs from Nijmegen and Maastricht, Radboudumc and MUMC+
Classification: Benign. Review status: no assertion criteria provided. Collection method: clinical testing. Allele origin: germline. Affected: yes. Study: VKGL Data-share Consensus. Not counted in ClinVar's aggregate classification.

NM_006514.4(SCN10A):c.3393C>G (p.Thr1131=)

Genes: SCN10A (sodium voltage-gated channel alpha subunit 10; minus strand), LOC110121288 (VISTA enhancer hs2268; plus strand). Cytogenetic location: 3p22.2.
Variant type: single nucleotide variant.
Coding change: c.3393C>G on transcript NM_006514.4 (MANE Select); coding-DNA position 3393, C replaced by G.
Protein change: p.Thr1131=; no amino-acid change (threonine 1131 retained).
Molecular consequence: synonymous variant.
Genome position (GRCh38, 1-based): chr3:38,722,372, G>C on the plus strand (C>G on the coding strand, the complement: SCN10A is on the minus strand). VCF-style: chr3-38722372-G-C. GRCh37 (hg19) VCF-style: chr3-38763863-G-C.
Other names: p.Thr1131=; c.3390C>G, p.Thr1130= (NM_001293306.2); c.3099C>G, p.Thr1033= (NM_001293307.2).
Identifiers: ClinVar variation 259998 (VCV000259998.22), dbSNP rs6771157, ClinGen allele CA2320246.